The following is an entry in ClinVar:

ClinVar aggregate classification (germline): Uncertain significance (1 of 4 stars; one submission).

Allele frequency attached by ClinVar (database versions not stated): TOPMed below 0.00001.
gnomAD v4.1: 1 of 1,613,932 alleles (0.000062%); highest among the groups gnomAD compares: Non-Finnish European, 0.000085%; no homozygotes.

Submission:

Ambry Genetics
Classification: Uncertain significance. Last evaluated: 2024-03-18. Review status: criteria provided, single submitter. Criteria: Ambry Variant Classification Scheme 2023. Collection method: clinical testing. Allele origin: germline.
Comment: The p.A695V variant (also known as c.2084C>T), located in coding exon 13 of the POLQ gene, results from a C to T substitution at nucleotide position 2084. The alanine at codon 695 is replaced by valine, an amino acid with similar properties. This amino acid position is conserved. In addition, this alteration is predicted to be tolerated by in silico analysis. Since supporting evidence is limited at this time, the clinical significance of this alteration remains unclear.

NM_199420.4(POLQ):c.2084C>T (p.Ala695Val)

Gene: POLQ (DNA polymerase theta; minus strand). Cytogenetic location: 3q13.33.
Variant type: single nucleotide variant.
Coding change: c.2084C>T on transcript NM_199420.4 (MANE Select); coding-DNA position 2084, C replaced by T.
Protein change: p.Ala695Val; replaces alanine 695 with valine.
Molecular consequence: missense variant.
Genome position (GRCh38, 1-based): chr3:121,498,546, G>A on the plus strand (C>T on the coding strand, the complement: POLQ is on the minus strand). VCF-style: chr3-121498546-G-A. GRCh37 (hg19) VCF-style: chr3-121217393-G-A.
Other names: short protein forms A695V.
Identifiers: ClinVar variation 1785612 (VCV001785612.2), dbSNP rs1204147394, ClinGen allele CA354110137.